The following is an entry in ClinVar:

NM_001040108.2(MLH3):c.685A>G (p.Lys229Glu)

Gene: MLH3 (mutL homolog 3; minus strand). Cytogenetic location: 14q24.3.
Variant type: single nucleotide variant.
Coding change: c.685A>G on transcript NM_001040108.2 (MANE Select); coding-DNA position 685, A replaced by G.
Protein change: p.Lys229Glu; replaces lysine 229 with glutamic acid.
Molecular consequence: missense variant.
Genome position (GRCh38, 1-based): chr14:75,048,971, T>C on the plus strand (A>G on the coding strand, the complement: MLH3 is on the minus strand). VCF-style: chr14-75048971-T-C. GRCh37 (hg19) VCF-style: chr14-75515674-T-C.
Other names: c.685A>G, p.Lys229Glu (NM_014381.3); short protein forms K229E.
Identifiers: ClinVar variation 1755822 (VCV001755822.2), dbSNP rs2503320074, ClinGen allele CA390449617.

ClinVar aggregate classification (germline): Uncertain significance (1 of 4 stars; one submission).

Submission:

Ambry Genetics
Classification: Uncertain significance. Last evaluated: 2021-03-16. Review status: criteria provided, single submitter. Criteria: Ambry Variant Classification Scheme 2023. Collection method: clinical testing. Allele origin: germline.
Comment: The p.K229E variant (also known as c.685A>G), located in coding exon 1 of the MLH3 gene, results from an A to G substitution at nucleotide position 685. The lysine at codon 229 is replaced by glutamic acid, an amino acid with similar properties. This amino acid position is not well conserved in available vertebrate species. In addition, the in silico prediction for this alteration is inconclusive. Since supporting evidence is limited at this time, the clinical significance of this alteration remains unclear.